The following is an entry in ClinVar:

ClinVar aggregate classification (germline): Pathogenic/Likely pathogenic. Review status: criteria provided, multiple submitters, no conflicts (2 of 4 stars). 3 submissions from 3 submitters: Pathogenic (1); Likely pathogenic (1). 1 of the submissions does not count toward it. Last evaluated 2022-09-27.

Conditions:
Metaphyseal chondrodysplasia, McKusick type (CHH). Also called: Cartilage-Hair Hypoplasia (CHH); Cartilage-hair hypoplasia. Identifiers: Orphanet 175, MedGen C0220748, MONDO:0009595, OMIM 250250.
Anauxetic dysplasia. Identifiers: Orphanet 93347, MedGen C1846796, MONDO:0011773.

Allele frequency attached by ClinVar (database versions not stated): gnomAD exomes below 0.00001; TOPMed below 0.00001.

Submissions (3):

Labcorp Genetics (formerly Invitae), Labcorp
Classification: Pathogenic for Anauxetic dysplasia. Last evaluated: 2022-09-27. Review status: criteria provided, single submitter. Criteria: Invitae Variant Classification Sherloc (09022015). Collection method: clinical testing. Allele origin: germline.
Comment: For these reasons, this variant has been classified as Pathogenic. While functional studies for this variant have not been reported, experimental analyses using patient derived cells, as well as in vitro transfection studies, have shown that promoter insertions result in silencing of RMRP transcription and reduced expression of the gene product (PMID: 11207361, 16254002). ClinVar contains an entry for this variant (Variation ID: 633395). While this particular variant has not been reported in the literature, it is located in the promoter region between the TATA box and the transcription initiation site, and other insertions and duplications immediately upstream of the coding sequence have been reported in individuals affected with cartilage-hair hypoplasia-anauxetic dysplasia (CHH-AD) spectrum disorders (PMID: 16244706, 11207361, 12107819). This variant is not present in population databases (gnomAD no frequency). This variant occurs in the RMRP gene, which encodes an RNA molecule that does not result in a protein product.

Women's Health and Genetics/Laboratory Corporation of America, LabCorp
Classification: Likely pathogenic for Metaphyseal chondrodysplasia, McKusick type. Last evaluated: 2017-09-27. Review status: criteria provided, single submitter. Criteria: LabCorp Variant Classification Summary - May 2015. Collection method: clinical testing. Allele origin: germline.
Comment: Variant summary: The RMRP n.-21_-4dup18 variant involves the duplication of 18 nucleotides in the promoter region of RMRP, which is located between the TATA box (-33 to -25) and the transcription initiation site. This variant is absent in 122692 control chromosomes (gnomAD).The variant of interest has not, to our knowledge, been reported in affected individuals via publications and/or reputable databases/clinical diagnostic laboratories; nor evaluated for functional impact by in vivo/vitro studies. However, insertions and duplications between 6 and 30 nucleotides long residing in the region between the TATA box and the transcription initiation site have been widely reported in CHH patients. These mutations interfere with the transcription of RMRP, i.e. silence the transcription (Ridanpa_2001 (PMID: 11207361) and Hermanns_2005 (PMID: 16254002). Based on the nature and location of this variant and the variant spectrum known to be pathogenic in the literature, this variant is currently classified as likely pathogenic until additional information becomes available.

Natera, Inc.
Classification: Likely pathogenic for Cartilage-hair hypoplasia. Last evaluated: 2021-03-15. Review status: no assertion criteria provided. Collection method: clinical testing. Allele origin: germline. Not counted in ClinVar's aggregate classification.

Literature cited by the submitters: PubMed 11207361 (cited by Labcorp Genetics (formerly Invitae), Labcorp); PubMed 16254002 (cited by Labcorp Genetics (formerly Invitae), Labcorp); PubMed 16244706 (cited by Labcorp Genetics (formerly Invitae), Labcorp); PubMed 12107819 (cited by Labcorp Genetics (formerly Invitae), Labcorp).

NR_003051.3(RMRP):n.-21_-4dup

Gene: RMRP (RNA component of mitochondrial RNA processing endoribonuclease; minus strand). Cytogenetic location: 9p13.3.
Variant type: Duplication.
Genome position: GRCh38 VCF-style: chr9-35658021-G-GTCCTCAGCTTCACAGAGT. GRCh37 (hg19) VCF-style: chr9-35658018-G-GTCCTCAGCTTCACAGAGT.
Identifiers: ClinVar variation 633395 (VCV000633395.14), dbSNP rs1563907881, ClinGen allele CA913189485.